The following is an entry in ClinVar:

ClinVar aggregate classification (germline): Uncertain significance (1 of 4 stars; one submission).

Conditions:
Leigh syndrome (NULS). Also called: Leigh's necrotizing encephalopathy; Leigh's disease; Leigh Syndrome (mtDNA deletion); Leigh Disease; Subacute necrotizing encephalopathy; Necrotizing encephalopathy infantile subacute of Leigh. Identifiers: Orphanet 506, MedGen C2931891, MONDO:0009723, OMIM 256000.

Submission:

Wong Mito Lab, Molecular and Human Genetics, Baylor College of Medicine
Classification: Uncertain significance for Leigh syndrome. Last evaluated: 2019-10-17. Review status: criteria provided, single submitter. Criteria: Modified ACMG Guidelines (Unpublished). Collection method: clinical testing. Allele origin: germline.
Comment: The NC_012920.1:m.9261A>G (YP_003024032.1:p.Thr19Ala) variant in MTCO3 gene is interpretated to be a Uncertain Significance variant based on the modified ACMG guidelines (unpublished). This variant meets the following evidence codes: BP4

NC_012920.1(MT-CO3):m.9261A>G

Gene: MT-CO3 (mitochondrially encoded cytochrome c oxidase III; plus strand).
Variant type: single nucleotide variant.
Genome position: chrM-9261-A-G.
Identifiers: ClinVar variation 693132 (VCV000693132.1), dbSNP rs1603222202, ClinGen allele CA414802555.
Genomic context (GRCh38, chrMT:9,261, plus strand): 5'-CACATAATGACCCACCAATCACATGCCTATCATATAGTAAAACCCAGCCCATGACCCCTA[A>G]CAGGGGCCCTCTCAGCCCTCCTAATGACCTCCGGCCTAGCCATGTGATTTCACTTCCACT-3'